The following is an entry in ClinVar:

ClinVar aggregate classification (germline): Likely benign (1 of 4 stars; one submission).

gnomAD v4.1: 761 of 1,614,088 alleles (0.047%); highest among the groups gnomAD compares: African/African-American, 0.75%; 2 homozygotes.

Submission:

CeGaT Center for Human Genetics Tuebingen
Classification: Likely benign. Last evaluated: 2026-08-01. Review status: criteria provided, single submitter. Criteria: CeGaT Center For Human Genetics Tuebingen Variant Classification Criteria Version 2. Collection method: clinical testing. Allele origin: germline. Affected: yes. Observed: 2 variant alleles.
Comment: TMEM63B: BP4, BP7, BS1

NM_018426.3(TMEM63B):c.831C>T (p.Asn277=)

Gene: TMEM63B (transmembrane protein 63B; plus strand). Cytogenetic location: 6p21.1.
Variant type: single nucleotide variant.
Coding change: c.831C>T on transcript NM_018426.3 (MANE Select); coding-DNA position 831, C replaced by T.
Protein change: p.Asn277=; no amino-acid change (asparagine 277 retained).
Molecular consequence: synonymous variant.
Genome position (GRCh38, 1-based): chr6:44,146,895, C>T. VCF-style: chr6-44146895-C-T. GRCh37 (hg19) VCF-style: chr6-44114632-C-T.
Other names: c.831C>T, p.Asn277= (NM_001318792.1).
Identifiers: ClinVar variation 4533848 (VCV004533848.6).